The following is an entry in ClinVar:

NM_006642.5(SDCCAG8):c.1068+1G>A

Gene: SDCCAG8 (SHH signaling and ciliogenesis regulator SDCCAG8; plus strand). Cytogenetic location: 1q43.
Variant type: single nucleotide variant.
Coding change: c.1068+1G>A on transcript NM_006642.5 (MANE Select); the canonical splice donor site of the intron after coding-DNA position 1068, G replaced by A.
Molecular consequence: splice donor variant.
Genome position (GRCh38, 1-based): chr1:243,316,894, G>A. VCF-style: chr1-243316894-G-A. GRCh37 (hg19) VCF-style: chr1-243480196-G-A.
Other names: c.774+1G>A (NM_001350249.2); c.165+1G>A (NM_001350251.2, NM_001350246.2, NM_001350247.2); c.1164+1G>A (NM_001350248.2).
Identifiers: ClinVar variation 2203016 (VCV002203016.4), dbSNP rs2073290478, ClinGen allele CA345481065.

ClinVar aggregate classification (germline): Pathogenic (1 of 4 stars; one submission).

Conditions:
Bardet-Biedl syndrome 16 (BBS16). Identifiers: Orphanet 110, MedGen C3889474, MONDO:0014444, OMIM 615993.
Senior-Loken syndrome 7 (SLSN7). Identifiers: Orphanet 3156, MedGen C3150877, MONDO:0013326, OMIM 613615.

gnomAD v4.1: 2 of 1,613,894 alleles (0.00012%); highest among the groups gnomAD compares: Non-Finnish European, 0.000085%; no homozygotes.

Submission:

Labcorp Genetics (formerly Invitae), Labcorp
Classification: Pathogenic for Bardet-Biedl syndrome 16; Senior-Loken syndrome 7. Last evaluated: 2025-01-15. Review status: criteria provided, single submitter. Criteria: Invitae Variant Classification Sherloc (09022015). Collection method: clinical testing. Allele origin: germline.
Comment: This sequence change affects a donor splice site in intron 9 of the SDCCAG8 gene. It is expected to disrupt RNA splicing. Variants that disrupt the donor or acceptor splice site typically lead to a loss of protein function (PMID: 16199547), and loss-of-function variants in SDCCAG8 are known to be pathogenic (PMID: 20835237, 22190896). This variant is not present in population databases (gnomAD no frequency). Disruption of this splice site has been observed in individuals with clinical features of SDCCAG8-related conditions (PMID: 20835237, 35140360). ClinVar contains an entry for this variant (Variation ID: 2203016). Algorithms developed to predict the effect of sequence changes on RNA splicing suggest that this variant may disrupt the consensus splice site. For these reasons, this variant has been classified as Pathogenic.

Literature cited by the submitters: PubMed 16199547; PubMed 20835237; PubMed 22190896; PubMed 35140360.